The following is an entry in ClinVar:

ClinVar aggregate classification (germline): Uncertain significance (1 of 4 stars; one submission).

Submission:

Women's Health and Genetics/Laboratory Corporation of America, LabCorp
Classification: Uncertain significance. Last evaluated: 2024-07-08. Review status: criteria provided, single submitter. Criteria: LabCorp Variant Classification Summary - May 2015. Collection method: clinical testing. Allele origin: germline.
Comment: Variant summary: CACNA1H c.1925G>A (p.Gly642Asp) results in a non-conservative amino acid change in the encoded protein sequence. Three of five in-silico tools predict a benign effect of the variant on protein function. The variant was absent in 152110 control chromosomes. The available data on variant occurrences in the general population are insufficient to allow any conclusion about variant significance. To our knowledge, no occurrence of c.1925G>A in individuals affected with Idiopathic Generalized Epilepsy and no experimental evidence demonstrating its impact on protein function have been reported. No submitters have cited clinical-significance assessments for this variant to ClinVar. Based on the evidence outlined above, the variant was classified as uncertain significance.

NM_021098.3(CACNA1H):c.1925G>A (p.Gly642Asp)

Gene: CACNA1H (calcium voltage-gated channel subunit alpha1 H; plus strand). Cytogenetic location: 16p13.3.
Variant type: single nucleotide variant.
Coding change: c.1925G>A on transcript NM_021098.3 (MANE Select); coding-DNA position 1925, G replaced by A.
Protein change: p.Gly642Asp; replaces glycine 642 with aspartic acid.
Molecular consequence: missense variant.
Genome position (GRCh38, 1-based): chr16:1,202,375, G>A. VCF-style: chr16-1202375-G-A. GRCh37 (hg19) VCF-style: chr16-1252375-G-A.
Other names: c.1925G>A, p.Gly642Asp (NM_001005407.2); short protein forms G642D.
Identifiers: ClinVar variation 3339083 (VCV003339083.1).